The following is an entry in ClinVar:

NM_001080467.3(MYO5B):c.4551C>T (p.Asp1517=)

Genes: MYO5B (myosin VB; minus strand), SNHG22 (small nucleolar RNA host gene 22; plus strand). Cytogenetic location: 18q21.1.
Variant type: single nucleotide variant.
Coding change: c.4551C>T on transcript NM_001080467.3 (MANE Select); coding-DNA position 4551, C replaced by T.
Protein change: p.Asp1517=; no amino-acid change (aspartic acid 1517 retained).
Molecular consequence: synonymous variant.
Genome position (GRCh38, 1-based): chr18:49,843,301, G>A on the plus strand (C>T on the coding strand, the complement: MYO5B is on the minus strand). VCF-style: chr18-49843301-G-A. GRCh37 (hg19) VCF-style: chr18-47369671-G-A.
Other names: c.4551C>T (NM_001080467.2).
Identifiers: ClinVar variation 1546132 (VCV001546132.10), dbSNP rs751924360, ClinGen allele CA8960314.

ClinVar aggregate classification (germline): Likely benign. Review status: criteria provided, single submitter (1 of 4 stars). 2 submissions from 2 submitters: Likely benign (1). 1 of the submissions does not count toward it. Last evaluated 2025-06-29.

Conditions:
MYO5B-related disorder. Also called: MYO5B-related condition.

Allele frequency attached by ClinVar (database versions not stated): gnomAD exomes below 0.00001 and 0.00001; ExAC 0.00001; gnomAD 0.00003 and 0.00004; TOPMed 0.00004.
gnomAD v4.1: 14 of 1,614,078 alleles (0.00087%); highest among the groups gnomAD compares: Middle Eastern, 0.016%; no homozygotes.

Submissions (2):

Labcorp Genetics (formerly Invitae), Labcorp
Classification: Likely benign. Last evaluated: 2025-06-29. Review status: criteria provided, single submitter. Criteria: Invitae Variant Classification Sherloc (09022015). Collection method: clinical testing. Allele origin: germline.

PreventionGenetics, part of Exact Sciences
Classification: Likely benign for MYO5B-related condition. Last evaluated: 2019-03-25. Review status: no assertion criteria provided. Collection method: clinical testing. Allele origin: germline. Not counted in ClinVar's aggregate classification.
Comment: This variant is classified as likely benign based on ACMG/AMP sequence variant interpretation guidelines (Richards et al. 2015 PMID: 25741868, with internal and published modifications).